The following is an entry in ClinVar:

NM_203446.3(SYNJ1):c.3588G>A (p.Pro1196=)

Gene: SYNJ1 (synaptojanin 1; minus strand). Cytogenetic location: 21q22.11.
Variant type: single nucleotide variant.
Coding change: c.3588G>A on transcript NM_203446.3 (MANE Select); coding-DNA position 3588, G replaced by A.
Protein change: p.Pro1196=; no amino-acid change (proline 1196 retained).
Molecular consequence: synonymous variant.
Genome position (GRCh38, 1-based): chr21:32,641,896, C>T on the plus strand (G>A on the coding strand, the complement: SYNJ1 is on the minus strand). VCF-style: chr21-32641896-C-T. GRCh37 (hg19) VCF-style: chr21-34014206-C-T.
Other names: c.3540G>A, p.Pro1180= (NM_001160302.2); c.3447G>A, p.Pro1149= (NM_001160306.2); c.3705G>A, p.Pro1235= (NM_003895.4).
Identifiers: ClinVar variation 478344 (VCV000478344.9), dbSNP rs1160685381, ClinGen allele CA512143858.
Genomic context (GRCh38, chr21:32,641,896, plus strand): 5'-ACTAGTAGTAAACAGGACTTAGAACCGAGACCCCTTGGCCCCAGGCGAGGTTTTACCTAC[C>T]GGTCTGGCTGTACTGTATCCAGCAGGTCCTGGGCCTGCAAGTCCTGCTTGAGGTGAAGGC-3'
Protein context (NP_982271.3, residues 1186-1206): PGPAGYSTAR[Pro1196=]TIPPRAGVIS

ClinVar aggregate classification (germline): Uncertain significance (1 of 4 stars; one submission).

Conditions:
Developmental and epileptic encephalopathy, 53. Also called: Epileptic encephalopathy, early infantile, 53. Identifiers: MedGen C4479313, MONDO:0033362, OMIM 617389.
Early-onset Parkinson disease 20. Also called: PARKINSON DISEASE 20, AUTOSOMAL RECESSIVE EARLY-ONSET. Identifiers: Orphanet 391411, MedGen C3809824, MONDO:0014233, OMIM 615530.

Allele frequency attached by ClinVar (database versions not stated): gnomAD exomes below 0.00001; TOPMed 0.00001.
gnomAD v4.1: 2 of 1,608,546 alleles (0.00012%); highest among the groups gnomAD compares: Non-Finnish European, 0.00017%; no homozygotes.

Submission:

Labcorp Genetics (formerly Invitae), Labcorp
Classification: Uncertain significance for Developmental and epileptic encephalopathy, 53; Early-onset Parkinson disease 20. Last evaluated: 2023-08-10. Review status: criteria provided, single submitter. Criteria: Invitae Variant Classification Sherloc (09022015). Collection method: clinical testing. Allele origin: germline.
Comment: In summary, the available evidence is currently insufficient to determine the role of this variant in disease. Therefore, it has been classified as a Variant of Uncertain Significance. Variants that disrupt the consensus splice site are a relatively common cause of aberrant splicing (PMID: 17576681, 9536098). Algorithms developed to predict the effect of sequence changes on RNA splicing suggest that this variant may create or strengthen a splice site. ClinVar contains an entry for this variant (Variation ID: 478344). This variant has not been reported in the literature in individuals affected with SYNJ1-related conditions. This variant is not present in population databases (gnomAD no frequency). This sequence change affects codon 1235 of the SYNJ1 mRNA. It is a 'silent' change, meaning that it does not change the encoded amino acid sequence of the SYNJ1 protein. This variant also falls at the last nucleotide of exon 29, which is part of the consensus splice site for this exon.

Literature cited by the submitters: PubMed 17576681; PubMed 9536098.